The following is an entry in ClinVar:

ClinVar aggregate classification (germline): Pathogenic (1 of 4 stars; one submission).

Submission:

Labcorp Genetics (formerly Invitae), Labcorp
Classification: Pathogenic. Last evaluated: 2023-08-27. Review status: criteria provided, single submitter. Criteria: Invitae Variant Classification Sherloc (09022015). Collection method: clinical testing. Allele origin: germline.
Comment: For these reasons, this variant has been classified as Pathogenic. ClinVar contains an entry for this variant (Variation ID: 1076604). This variant has not been reported in the literature in individuals affected with FH-related conditions. This variant is not present in population databases (gnomAD no frequency). This sequence change creates a premature translational stop signal (p.Gly245Alafs*4) in the FH gene. It is expected to result in an absent or disrupted protein product. Loss-of-function variants in FH are known to be pathogenic (PMID: 11865300, 21398687).

Literature cited by the submitters: PubMed 11865300; PubMed 21398687.

NM_000143.4(FH):c.734_735del (p.Gly245fs)

Gene: FH (fumarate hydratase; minus strand). Cytogenetic location: 1q43.
Variant type: Deletion.
Coding change: c.734_735del on transcript NM_000143.4 (MANE Select); coding-DNA positions 734 to 735, 2 bases deleted (GG; older notation c.734_735delGG).
Protein change: p.Gly245fs; shifts the reading frame from glycine 245.
Molecular consequence: frameshift variant.
Genome position (GRCh38, 1-based): chr1:241,508,606-241,508,607, CC deleted on the plus strand (GG on the coding strand, the reverse complement: FH is on the minus strand); deleting any 2 consecutive bases within chr1:241,508,606-241,508,608 gives the same sequence; the c. name uses the placement nearest the transcript's 3' end. VCF-style (leftmost placement, unchanged base first): chr1-241508605-GCC-G. GRCh37 (hg19) VCF-style: chr1-241671905-GCC-G.
Other names: short protein forms G245fs.
Identifiers: ClinVar variation 1076604 (VCV001076604.7), dbSNP rs2147919385, ClinGen allele CA2499214636.